The following is an entry in ClinVar:

ClinVar aggregate classification (germline): Pathogenic (1 of 4 stars; one submission).

Conditions:
Smith-Lemli-Opitz syndrome (SLOS). Also called: POLYDACTYLY, SEX REVERSAL, RENAL HYPOPLASIA, AND UNILOBAR LUNG; RSH SYNDROME; RUTLEDGE LETHAL MULTIPLE CONGENITAL ANOMALY SYNDROME; 7-Dehydrocholesterol reductase deficiency; LETHAL ACRODYSGENITAL SYNDROME. Identifiers: Orphanet 818, MedGen C0175694, MONDO:0010035, OMIM 270400.

Submission:

Labcorp Genetics (formerly Invitae), Labcorp
Classification: Pathogenic for Smith-Lemli-Opitz syndrome. Last evaluated: 2023-11-14. Review status: criteria provided, single submitter. Criteria: Invitae Variant Classification Sherloc (09022015). Collection method: clinical testing. Allele origin: germline.
Comment: This sequence change creates a premature translational stop signal (p.Leu250Serfs*17) in the DHCR7 gene. It is expected to result in an absent or disrupted protein product. Loss-of-function variants in DHCR7 are known to be pathogenic (PMID: 9634533, 10677299). This variant is not present in population databases (gnomAD no frequency). This variant has not been reported in the literature in individuals affected with DHCR7-related conditions. For these reasons, this variant has been classified as Pathogenic.

Literature cited by the submitters: PubMed 9634533; PubMed 10677299.

NM_001360.3(DHCR7):c.748del (p.Leu250fs)

Gene: DHCR7 (7-dehydrocholesterol reductase; minus strand). Cytogenetic location: 11q13.4.
Variant type: Deletion.
Coding change: c.748del on transcript NM_001360.3 (MANE Select); coding-DNA position 748, one base deleted (C; older notation c.748delC).
Protein change: p.Leu250fs; shifts the reading frame from leucine 250.
Molecular consequence: frameshift variant.
Genome position (GRCh38, 1-based): chr11:71,438,962, G deleted on the plus strand (C on the coding strand, the reverse complement: DHCR7 is on the minus strand); the first of 3 consecutive G bases (chr11:71,438,962-71,438,964); deleting any one gives the same sequence. VCF-style (leftmost placement, unchanged base first): chr11-71438961-AG-A. GRCh37 (hg19) VCF-style: chr11-71150007-AG-A.
Other names: c.748del, p.Leu250fs (NM_001163817.2); c.797delC, p.Leu267Serfs (NM_001425107.1); c.782delC, p.Leu262Serfs (NM_001425108.1); c.746delC, p.Leu250Serfs (NM_001425109.1, NM_001425110.1, NM_001425111.1 and 5 more transcripts); c.686delC, p.Leu230Serfs (NM_001425113.1); c.650delC, p.Leu218Serfs (NM_001425114.1, NM_001425116.1); c.572delC, p.Leu192Serfs (NM_001425117.1); short protein forms L250fs.
Identifiers: ClinVar variation 2785310 (VCV002785310.3), dbSNP rs2539221313, ClinGen allele CA2739270677.